The following is an entry in ClinVar:

ClinVar aggregate classification (germline): Uncertain significance (1 of 4 stars; one submission).

Allele frequency attached by ClinVar (database versions not stated): TOPMed 0.00001.

Submission:

Labcorp Genetics (formerly Invitae), Labcorp
Classification: Uncertain significance. Last evaluated: 2025-04-09. Review status: criteria provided, single submitter. Criteria: Invitae Variant Classification Sherloc (09022015). Collection method: clinical testing. Allele origin: germline.
Comment: This sequence change replaces leucine, which is neutral and non-polar, with valine, which is neutral and non-polar, at codon 236 of the RNF31 protein (p.Leu236Val). This variant is present in population databases (no rsID available, gnomAD 0.0009%). This variant has not been reported in the literature in individuals affected with RNF31-related conditions. ClinVar contains an entry for this variant (Variation ID: 1408056). An algorithm developed to predict the effect of missense changes on protein structure and function (PolyPhen-2) suggests that this variant is likely to be tolerated. In summary, the available evidence is currently insufficient to determine the role of this variant in disease. Therefore, it has been classified as a Variant of Uncertain Significance.

NM_017999.5(RNF31):c.706C>G (p.Leu236Val)

Gene: RNF31 (ring finger protein 31; plus strand). Cytogenetic location: 14q12.
Variant type: single nucleotide variant.
Coding change: c.706C>G on transcript NM_017999.5 (MANE Select); coding-DNA position 706, C replaced by G.
Protein change: p.Leu236Val; replaces leucine 236 with valine.
Molecular consequence: missense variant.
Genome position (GRCh38, 1-based): chr14:24,149,480, C>G. VCF-style: chr14-24149480-C-G. GRCh37 (hg19) VCF-style: chr14-24618689-C-G.
Other names: c.253C>G, p.Leu85Val (NM_001310332.2); short protein forms L236V, L85V.
Identifiers: ClinVar variation 1408056 (VCV001408056.8), dbSNP rs886413630, ClinGen allele CA257872284.